The following is an entry in ClinVar:

NM_006017.3(PROM1):c.1578+1G>A

Gene: PROM1 (prominin 1; minus strand). Cytogenetic location: 4p15.32.
Variant type: single nucleotide variant.
Coding change: c.1578+1G>A on transcript NM_006017.3 (MANE Select); the canonical splice donor site of the intron after coding-DNA position 1578, G replaced by A.
Molecular consequence: splice donor variant.
Genome position (GRCh38, 1-based): chr4:16,000,495, C>T on the plus strand (G>A on the coding strand, the complement: PROM1 is on the minus strand). VCF-style: chr4-16000495-C-T. GRCh37 (hg19) VCF-style: chr4-16002118-C-T.
Other names: c.1551+1G>A (NM_001145848.2, NM_001145852.2, NM_001145847.2 and 4 more transcripts); c.1578+1G>A (NM_001145850.2, NM_001145849.2).
Identifiers: ClinVar variation 444632 (VCV000444632.51), dbSNP rs1553901823, ClinGen allele CA356432932.
Genomic context (GRCh38, chr4:16,000,495, plus strand): 5'-ATATGAAGAAATCCAAGTTTCTGTTCAAGTCCTTTCATAATGGGTAGAAAATCATATTTA[C>T]CCGGAATAATTCCTTGCTCGTGTAAGGTTCACAGATCAGTTTTTCCACATTTGCACCAAA-3'

ClinVar aggregate classification (germline): Pathogenic/Likely pathogenic. Review status: criteria provided, multiple submitters, no conflicts (2 of 4 stars). 4 submissions from 4 submitters: Pathogenic (3); Likely pathogenic (1). Last evaluated 2023-10-22.

Conditions:
Retinal dystrophy. Also called: Inherited retinal dystrophy. Identifiers: Orphanet 71862, MedGen C0854723, MeSH D058499, MONDO:0019118, HP:0000556.
Cone-rod dystrophy. Also called: Cone-rod degeneration; Cone/cone-rod dystrophy. Identifiers: Orphanet 1872, MedGen C4085590, MONDO:0015993, HP:0000548.

Allele frequency attached by ClinVar (database versions not stated): gnomAD exomes below 0.00001.
gnomAD v4.1: 2 of 1,581,316 alleles (0.00013%); highest among the groups gnomAD compares: Non-Finnish European, 0.00017%; no homozygotes.

Submissions (4):

Labcorp Genetics (formerly Invitae), Labcorp
Classification: Pathogenic. Last evaluated: 2023-10-22. Review status: criteria provided, single submitter. Criteria: Invitae Variant Classification Sherloc (09022015). Collection method: clinical testing. Allele origin: germline.
Comment: This sequence change affects a donor splice site in intron 13 of the PROM1 gene. It is expected to disrupt RNA splicing. Variants that disrupt the donor or acceptor splice site typically lead to a loss of protein function (PMID: 16199547), and loss-of-function variants in PROM1 are known to be pathogenic (PMID: 17605048, 19718270, 24154662, 25474345). This variant is not present in population databases (gnomAD no frequency). Disruption of this splice site has been observed in individuals with clinical features of cone-rod dystrophy (PMID: 32531858, 35951719). ClinVar contains an entry for this variant (Variation ID: 444632). Algorithms developed to predict the effect of sequence changes on RNA splicing suggest that this variant may disrupt the consensus splice site. For these reasons, this variant has been classified as Pathogenic.

Dept Of Ophthalmology, Nagoya University
Classification: Pathogenic for Retinal dystrophy. Last evaluated: 2023-10-01. Review status: criteria provided, single submitter. Criteria: Submitter's publication. Collection method: research. Allele origin: germline. Affected: yes.

Molecular Genetics Laboratory, Institute for Ophthalmic Research
Classification: Pathogenic for Cone-rod dystrophy. Last evaluated: 2020-01-09. Review status: criteria provided, single submitter. Criteria: ACMG Guidelines, 2015. Collection method: research. Allele origin: germline. Affected: yes.

CeGaT Center for Human Genetics Tuebingen
Classification: Likely pathogenic. Last evaluated: 2017-05-01. Review status: criteria provided, single submitter. Criteria: CeGaT Center For Human Genetics Tuebingen Variant Classification Criteria Version 2. Collection method: clinical testing. Allele origin: germline. Affected: yes. Observed: 1 variant allele.

Literature cited by the submitters: PubMed 16199547 (cited by Labcorp Genetics (formerly Invitae), Labcorp); PubMed 17605048 (cited by Labcorp Genetics (formerly Invitae), Labcorp); PubMed 19718270 (cited by Labcorp Genetics (formerly Invitae), Labcorp); PubMed 24154662 (cited by Labcorp Genetics (formerly Invitae), Labcorp); PubMed 25474345 (cited by Labcorp Genetics (formerly Invitae), Labcorp); PubMed 32531858 (cited by Labcorp Genetics (formerly Invitae), Labcorp); PubMed 35951719 (cited by Labcorp Genetics (formerly Invitae), Labcorp).